The following is an entry in ClinVar:

ClinVar aggregate classification (germline): Uncertain significance (1 of 4 stars; one submission).

Conditions:
Alstrom syndrome (ALMS). Identifiers: Orphanet 64, MedGen C0268425, MONDO:0008763, OMIM 203800.

Allele frequency attached by ClinVar (database versions not stated): TOPMed below 0.00001.
gnomAD v4.1: 3 of 1,613,628 alleles (0.00019%); highest among the groups gnomAD compares: Non-Finnish European, 0.00025%; no homozygotes.

Submission:

Labcorp Genetics (formerly Invitae), Labcorp
Classification: Uncertain significance for Alstrom syndrome. Last evaluated: 2023-10-03. Review status: criteria provided, single submitter. Criteria: Invitae Variant Classification Sherloc (09022015). Collection method: clinical testing. Allele origin: germline.
Comment: This sequence change replaces arginine, which is basic and polar, with serine, which is neutral and polar, at codon 463 of the ALMS1 protein (p.Arg463Ser). This variant is present in population databases (rs749794703, gnomAD 0.0009%). This variant has not been reported in the literature in individuals affected with ALMS1-related conditions. ClinVar contains an entry for this variant (Variation ID: 1402045). Experimental studies and prediction algorithms are not available or were not evaluated, and the functional significance of this variant is currently unknown. Algorithms developed to predict the effect of sequence changes on RNA splicing suggest that this variant may disrupt the consensus splice site. In summary, the available evidence is currently insufficient to determine the role of this variant in disease. Therefore, it has been classified as a Variant of Uncertain Significance.

NM_001378454.1(ALMS1):c.1386G>T (p.Arg462Ser)

Gene: ALMS1 (ALMS1 centrosome and basal body associated protein; plus strand). Cytogenetic location: 2p13.1.
Variant type: single nucleotide variant.
Coding change: c.1386G>T on transcript NM_001378454.1 (MANE Select); coding-DNA position 1386, G replaced by T.
Protein change: p.Arg462Ser; replaces arginine 462 with serine.
Molecular consequence: missense variant.
Genome position (GRCh38, 1-based): chr2:73,432,245, G>T. VCF-style: chr2-73432245-G-T. GRCh37 (hg19) VCF-style: chr2-73659373-G-T.
Other names: c.1389G>T, p.Arg463Ser (NM_015120.4); short protein forms R463S, R462S.
Identifiers: ClinVar variation 1402045 (VCV001402045.6), dbSNP rs749794703, ClinGen allele CA1713139.